The following is an entry in ClinVar:

NM_152703.5(SAMD9L):c.3623T>G (p.Ile1208Ser)

Gene: SAMD9L (sterile alpha motif domain containing 9 like; minus strand). Cytogenetic location: 7q21.2.
Variant type: single nucleotide variant.
Coding change: c.3623T>G on transcript NM_152703.5 (MANE Select); coding-DNA position 3623, T replaced by G.
Protein change: p.Ile1208Ser; replaces isoleucine 1208 with serine.
Molecular consequence: missense variant.
Genome position (GRCh38, 1-based): chr7:93,132,349, A>C on the plus strand (T>G on the coding strand, the complement: SAMD9L is on the minus strand). VCF-style: chr7-93132349-A-C. GRCh37 (hg19) VCF-style: chr7-92761662-A-C.
Other names: c.3623T>G (NM_152703.2); c.3623T>G, p.Ile1208Ser (NM_001303496.3, NM_001303497.3, NM_001303498.3 and 5 more transcripts); short protein forms I1208S.
Identifiers: ClinVar variation 1396650 (VCV001396650.7), dbSNP rs1397527817, ClinGen allele CA368181081.

ClinVar aggregate classification (germline): Uncertain significance. Review status: criteria provided, multiple submitters, no conflicts (2 of 4 stars). 2 submissions from 2 submitters: Uncertain significance (2). Last evaluated 2025-09-26.

Conditions:
Inborn genetic diseases. Identifiers: MedGen C0950123, MeSH D030342.

Allele frequency attached by ClinVar (database versions not stated): gnomAD exomes below 0.00001; TOPMed below 0.00001; gnomAD 0.00001.
gnomAD v4.1: 2 of 1,613,742 alleles (0.00012%); highest among the groups gnomAD compares: Non-Finnish European, 0.00017%; no homozygotes.

Submissions (2):

Ambry Genetics
Classification: Uncertain significance for Inborn genetic diseases. Last evaluated: 2025-09-26. Review status: criteria provided, single submitter. Criteria: Ambry Variant Classification Scheme 2023. Collection method: clinical testing. Allele origin: germline.
Comment: The p.I1208S variant (also known as c.3623T>G), located in coding exon 1 of the SAMD9L gene, results from a T to G substitution at nucleotide position 3623. The isoleucine at codon 1208 is replaced by serine, an amino acid with dissimilar properties. This amino acid position is conserved. In addition, the in silico prediction for this alteration is inconclusive. Based on the available evidence, the clinical significance of this variant remains unclear.

Labcorp Genetics (formerly Invitae), Labcorp
Classification: Uncertain significance. Last evaluated: 2020-12-10. Review status: criteria provided, single submitter. Criteria: Invitae Variant Classification Sherloc (09022015). Collection method: clinical testing. Allele origin: germline.
Comment: This variant has not been reported in the literature in individuals with SAMD9L-related conditions. In summary, the available evidence is currently insufficient to determine the role of this variant in disease. Therefore, it has been classified as a Variant of Uncertain Significance. Algorithms developed to predict the effect of missense changes on protein structure and function are either unavailable or do not agree on the potential impact of this missense change (SIFT: "Not Available"; PolyPhen-2: "Probably Damaging"; Align-GVGD: "Not Available"). This variant is not present in population databases (ExAC no frequency). This sequence change replaces isoleucine with serine at codon 1208 of the SAMD9L protein (p.Ile1208Ser). The isoleucine residue is moderately conserved and there is a large physicochemical difference between isoleucine and serine.